The following is an entry in ClinVar:

NM_001042492.3(NF1):c.1498_1499del (p.Ile500fs)

Gene: NF1 (neurofibromin 1; plus strand). Cytogenetic location: 17q11.2.
Variant type: Deletion.
Coding change: c.1498_1499del on transcript NM_001042492.3 (MANE Select); coding-DNA positions 1498 to 1499, 2 bases deleted (AT; older notation c.1498_1499delAT).
Protein change: p.Ile500fs; shifts the reading frame from isoleucine 500.
Molecular consequence: frameshift variant.
Genome position (GRCh38, 1-based): chr17:31,214,556-31,214,557, AT deleted. VCF-style (leftmost placement, unchanged base first): chr17-31214555-AAT-A. GRCh37 (hg19) VCF-style: chr17-29541573-AAT-A.
Other names: c.1498_1499delAT, p.Ile500Serfs (NM_000267.4); c.1498_1499del, p.Ile500fs (NM_001128147.3); short protein forms I500fs.
Identifiers: ClinVar variation 1071151 (VCV001071151.5), dbSNP rs2143960248, ClinGen allele CA2499223996.

ClinVar aggregate classification (germline): Pathogenic (1 of 4 stars; one submission).

Conditions:
Neurofibromatosis, type 1 (NF1). Also called: VON RECKLINGHAUSEN DISEASE; Peripheral type neurofibromatosis; NEUROFIBROMATOSIS, TYPE I, SOMATIC; Neurofibromatosis, type I. Identifiers: Orphanet 636, MedGen C0027831, MONDO:0018975, OMIM 162200. Disease mechanism: loss of function.

Submission:

Labcorp Genetics (formerly Invitae), Labcorp
Classification: Pathogenic for Neurofibromatosis, type 1. Last evaluated: 2020-07-31. Review status: criteria provided, single submitter. Criteria: Invitae Variant Classification Sherloc (09022015). Collection method: clinical testing. Allele origin: germline.
Comment: This sequence change creates a premature translational stop signal (p.Ile500Serfs*10) in the NF1 gene. It is expected to result in an absent or disrupted protein product. This variant is not present in population databases (ExAC no frequency). This variant has not been reported in the literature in individuals with NF1-related conditions. Loss-of-function variants in NF1 are known to be pathogenic (PMID: 10712197, 23913538). For these reasons, this variant has been classified as Pathogenic.

Literature cited by the submitters: PubMed 10712197; PubMed 23913538.